The following is an entry in ClinVar:

NM_001134831.2(AHI1):c.2246C>G (p.Ser749Ter)

Gene: AHI1 (Abelson helper integration site 1; minus strand). Cytogenetic location: 6q23.3.
Variant type: single nucleotide variant.
Coding change: c.2246C>G on transcript NM_001134831.2 (MANE Select); coding-DNA position 2246, C replaced by G.
Protein change: p.Ser749Ter; replaces serine 749 with a stop codon.
Molecular consequence: nonsense.
Genome position (GRCh38, 1-based): chr6:135,433,047, G>C on the plus strand (C>G on the coding strand, the complement: AHI1 is on the minus strand). VCF-style: chr6-135433047-G-C. GRCh37 (hg19) VCF-style: chr6-135754185-G-C.
Other names: c.2246C>G, p.Ser749Ter (NM_001134830.2, NM_001134832.2, NM_001350503.2 and 2 more transcripts); short protein forms S749*.
Identifiers: ClinVar variation 988139 (VCV000988139.8), dbSNP rs766069291, ClinGen allele CA148122329.

ClinVar aggregate classification (germline): Pathogenic. Review status: criteria provided, multiple submitters, no conflicts (2 of 4 stars). 4 submissions from 4 submitters: Pathogenic (3). 1 of the submissions does not count toward it. Last evaluated 2026-02-08.

Conditions:
Retinal disorder. Also called: Retinopathy; Retinopathies; Retinal Diseases; Retinal disorders. Identifiers: MedGen C0035309, MONDO:0005283, HP:0000488.
Joubert syndrome 3 (JBTS3). Also called: AHI1-related Ciliopathy. Identifiers: Orphanet 220493, MedGen C1837713, MONDO:0012078, OMIM 608629.
Nephronophthisis. Also called: Juvenile Nephronophthisis. Identifiers: Orphanet 655, MedGen C0687120, MONDO:0019005, HP:0000090.
Joubert syndrome. Also called: JOUBERT-BOLTSHAUSER SYNDROME; Familial aplasia of the vermis. Identifiers: Orphanet 475, MedGen C5979921, MONDO:0018772.

Allele frequency attached by ClinVar (database versions not stated): TOPMed 0.00002; gnomAD 0.00001; gnomAD exomes 0.00003.
gnomAD v4.1: 39 of 1,612,186 alleles (0.0024%); highest among the groups gnomAD compares: Non-Finnish European, 0.0033%; no homozygotes.

Submissions (4):

Genetics Laboratory, Great Ormond Street Hospital NHS Foundation Trust, North Thames Genomic Laboratory Hub
Classification: Pathogenic for Retinal disorders. Last evaluated: 2026-02-08. Review status: criteria provided, single submitter. Criteria: ACGS Best Practice Guidelines for Variant Classification in Rare Disease 2024 v1.2. Collection method: clinical testing. Allele origin: germline. Affected: yes.
Comment: PM2_moderate, PVS1_very-strong

Myriad Genetics, Inc.
Classification: Pathogenic for Joubert syndrome 3. Last evaluated: 2024-06-16. Review status: criteria provided, single submitter. Criteria: Myriad Autosomal Dominant, Autosomal Recessive and X-Linked Classification Criteria (2023). Collection method: clinical testing. Allele origin: unknown.
Comment: NM_001134831.1(AHI1):c.2246C>G(S749*) is expected to be pathogenic in the context of Joubert syndrome, AHI1-related. This variant is predicted to lead to an abnormal or absent protein product due to the creation of a premature termination codon in AHI1, a gene where loss-of-function variants are known to be pathogenic. Please note: this variant was assessed in the context of healthy population screening.

Labcorp Genetics (formerly Invitae), Labcorp
Classification: Pathogenic for Joubert syndrome. Last evaluated: 2024-02-01. Review status: criteria provided, single submitter. Criteria: Invitae Variant Classification Sherloc (09022015). Collection method: clinical testing. Allele origin: germline.
Comment: This sequence change creates a premature translational stop signal (p.Ser749*) in the AHI1 gene. It is expected to result in an absent or disrupted protein product. Loss-of-function variants in AHI1 are known to be pathogenic (PMID: 15322546, 16453322, 28442542, 29186038). This variant is present in population databases (rs766069291, gnomAD 0.007%). This variant has not been reported in the literature in individuals affected with AHI1-related conditions. ClinVar contains an entry for this variant (Variation ID: 988139). For these reasons, this variant has been classified as Pathogenic.

Sydney Genome Diagnostics, Children's Hospital Westmead
Classification: Pathogenic for Nephronophthisis. Last evaluated: 2018-05-03. Review status: no assertion criteria provided. Collection method: clinical testing. Allele origin: unknown. Affected: yes. Observed: 1 variant allele, 1 compound heterozygote. Not counted in ClinVar's aggregate classification.
Comment: Both variants create premature stop codons, p.Gln423*and p.Ser749* respectively, and may result in null alleles due to nonsense-mediated mRNA decay. To our knowledge, these variants have not been reported in population databases (dbSNP, ESP, ExAC) and have not been previously associated with disease. However, other truncating mutations downstream of these amino acids have been described in the literature (Parisi et al, J Med Genet. 2006; 43(4):334-339). Both the c.1267C>T and c.2246C>G variants are considered to be pathogenic according to ACMG guidelines.

Literature cited by the submitters: PubMed 15322546 (cited by Labcorp Genetics (formerly Invitae), Labcorp); PubMed 16453322 (cited by Labcorp Genetics (formerly Invitae), Labcorp); PubMed 28442542 (cited by Labcorp Genetics (formerly Invitae), Labcorp); PubMed 29186038 (cited by Labcorp Genetics (formerly Invitae), Labcorp).